The following is an entry in ClinVar:

NM_004629.2(FANCG):c.1472_1473del (p.Lys491fs)

Gene: FANCG (FA complementation group G; minus strand). Cytogenetic location: 9p13.3.
Variant type: Deletion.
Coding change: c.1472_1473del on transcript NM_004629.2 (MANE Select); coding-DNA positions 1472 to 1473, 2 bases deleted (AA; older notation c.1472_1473delAA).
Protein change: p.Lys491fs; shifts the reading frame from lysine 491.
Molecular consequence: frameshift variant.
Genome position (GRCh38, 1-based): chr9:35,075,286-35,075,287, TT deleted on the plus strand (AA on the coding strand, the reverse complement: FANCG is on the minus strand); deleting any 2 consecutive bases within chr9:35,075,286-35,075,290 gives the same sequence; the c. name uses the placement nearest the transcript's 3' end. VCF-style (leftmost placement, unchanged base first): chr9-35075285-CTT-C. GRCh37 (hg19) VCF-style: chr9-35075282-CTT-C.
Other names: short protein forms K491fs.
Identifiers: ClinVar variation 2893483 (VCV002893483.3), dbSNP rs1251811392, ClinGen allele CA587569082.

ClinVar aggregate classification (germline): Pathogenic (1 of 4 stars; one submission).

Conditions:
Fanconi anemia (FA). Also called: Fanconi's anemia. Identifiers: Orphanet 84, MedGen C0015625, MeSH D005199, MONDO:0019391.

Submission:

Labcorp Genetics (formerly Invitae), Labcorp
Classification: Pathogenic for Fanconi anemia. Last evaluated: 2023-09-24. Review status: criteria provided, single submitter. Criteria: Invitae Variant Classification Sherloc (09022015). Collection method: clinical testing. Allele origin: germline.
Comment: For these reasons, this variant has been classified as Pathogenic. This variant has not been reported in the literature in individuals affected with FANCG-related conditions. This variant is present in population databases (no rsID available, gnomAD 0.003%). This sequence change creates a premature translational stop signal (p.Lys491Argfs*9) in the FANCG gene. It is expected to result in an absent or disrupted protein product. Loss-of-function variants in FANCG are known to be pathogenic (PMID: 12552564).

Literature cited by the submitters: PubMed 12552564.